The following is an entry in ClinVar:

ClinVar aggregate classification (germline): Uncertain significance (1 of 4 stars; one submission).

gnomAD v4.1: 3 of 1,211,572 alleles (0.00025%); highest among the groups gnomAD compares: East Asian, 0.0059%; no homozygotes.

Submission:

GeneDx
Classification: Uncertain significance. Last evaluated: 2024-06-24. Review status: criteria provided, single submitter. Criteria: GeneDx Variant Classification Process June 2021. Collection method: clinical testing. Allele origin: germline. Affected: yes.
Comment: In silico analysis supports that this missense variant has a deleterious effect on protein structure/function; Not observed at significant frequency in large population cohorts (gnomAD); Has not been previously published as pathogenic or benign to our knowledge

NM_000292.3(PHKA2):c.199C>G (p.Arg67Gly)

Gene: PHKA2 (phosphorylase kinase regulatory subunit alpha 2; minus strand). Cytogenetic location: Xp22.13.
Variant type: single nucleotide variant.
Coding change: c.199C>G on transcript NM_000292.3 (MANE Select); coding-DNA position 199, C replaced by G.
Protein change: p.Arg67Gly; replaces arginine 67 with glycine.
Molecular consequence: missense variant.
Genome position (GRCh38, 1-based): chrX:18,954,292, G>C on the plus strand (C>G on the coding strand, the complement: PHKA2 is on the minus strand). VCF-style: chrX-18954292-G-C. GRCh37 (hg19) VCF-style: chrX-18972410-G-C.
Other names: short protein forms R67G.
Identifiers: ClinVar variation 3392817 (VCV003392817.1).
Genomic context (GRCh38, chrX:18,954,292, plus strand): 5'-TACAGCTGTCAGTCACTATTACCTGCTCCAGCTCGTAGGCCTTGGCCTTGTCCTCATCGC[G>C]GTCTGCATTCTTACGGTAGGCCATGCCCAGGCCCCACACGGCCAGGATACTGTAGATGTT-3'
Protein context (NP_000283.1, residues 57-77): LGMAYRKNAD[Arg67Gly]DEDKAKAYEL